The following is an entry in ClinVar:

NM_007254.4(PNKP):c.1170A>G (p.Gly390=)

Gene: PNKP (polynucleotide kinase 3'-phosphatase; minus strand). Cytogenetic location: 19q13.33.
Variant type: single nucleotide variant.
Coding change: c.1170A>G on transcript NM_007254.4 (MANE Select); coding-DNA position 1170, A replaced by G.
Protein change: p.Gly390=; no amino-acid change (glycine 390 retained).
Molecular consequence: synonymous variant.
Genome position (GRCh38, 1-based): chr19:49,862,062, T>C on the plus strand (A>G on the coding strand, the complement: PNKP is on the minus strand). VCF-style: chr19-49862062-T-C. GRCh37 (hg19) VCF-style: chr19-50365319-T-C.
Identifiers: ClinVar variation 423460 (VCV000423460.37), dbSNP rs1064796440, ClinGen allele CA16620877.

ClinVar aggregate classification (germline): Uncertain significance. Review status: criteria provided, multiple submitters, no conflicts (2 of 4 stars). 2 submissions from 2 submitters: Uncertain significance (2). Last evaluated 2021-05-01.

Allele frequency attached by ClinVar (database versions not stated): gnomAD exomes below 0.00001.
gnomAD v4.1: 1 of 1,614,108 alleles (0.000062%); highest among the groups gnomAD compares: Non-Finnish European, 0.000085%; no homozygotes.

Submissions (2):

CeGaT Center for Human Genetics Tuebingen
Classification: Uncertain significance. Last evaluated: 2021-05-01. Review status: criteria provided, single submitter. Criteria: CeGaT Center For Human Genetics Tuebingen Variant Classification Criteria Version 2. Collection method: clinical testing. Allele origin: germline. Affected: yes. Observed: 1 variant allele.

GeneDx
Classification: Uncertain significance. Last evaluated: 2017-02-09. Review status: criteria provided, single submitter. Criteria: GeneDx Variant Classification (06012015). Collection method: clinical testing. Allele origin: germline. Affected: yes.
Comment: A variant of uncertain significance has been identified in the PNKP gene. The c.1170 A>G variant has not been published as a pathogenic variant, nor has it been reported as a benign variant to our knowledge. The c.1170 A>G variant is not observed in large population cohorts (Lek et al., 2016; 1000 Genomes Consortium et al., 2015; Exome Variant Server). Several in-silico splice prediction models predict that c.1170 A>G may create a cryptic splice donor site which may supplant the natural splice donor site of intron 13 and lead to abnormal gene splicing. However, in the absence of RNA/functional studies, the actual effect of this sequence change is unknown. Additionally, this nucleotide substitution occurs at a position that is not conserved. Therefore, based on the currently available information, it is unclear whether this variant is a pathogenic variant or a rare benign variant.